The following is an entry in ClinVar:

ClinVar aggregate classification (germline): Likely pathogenic. Review status: criteria provided, multiple submitters, no conflicts (2 of 4 stars). 4 submissions from 4 submitters: Likely pathogenic (4). Last evaluated 2026-05-08.

Conditions:
Hereditary nonpolyposis colorectal neoplasms. Identifiers: MedGen C0009405, MeSH D003123.
Lynch syndrome 4 (LYNCH4). Also called: Hereditary non-polyposis colorectal cancer, type 4; Colorectal cancer, hereditary nonpolyposis, type 4. Identifiers: Orphanet 144, MedGen C1838333, MONDO:0013699, OMIM 614337. Disease mechanism: loss of function.
Hereditary cancer-predisposing syndrome. Also called: Neoplastic Syndromes, Hereditary; Hereditary neoplastic syndrome; Tumor predisposition; Hereditary Cancer Syndrome. Identifiers: Orphanet 140162, MedGen C0027672, MeSH D009386, MONDO:0015356.
Inherited MMR deficiency (Lynch syndrome).

Submissions (4):

Ambry Genetics
Classification: Likely pathogenic for Hereditary cancer-predisposing syndrome. Last evaluated: 2026-05-08. Review status: criteria provided, single submitter. Criteria: Ambry Variant Classification Scheme 2023. Collection method: clinical testing. Allele origin: germline.
Comment: The c.23+2T>G intronic variant results from a T to G substitution two nucleotides after coding exon 1 in the PMS2 gene. This nucleotide position is highly conserved in available vertebrate species. This variant is considered to be rare based on population cohorts in the Genome Aggregation Database (gnomAD). In silico splice site analysis predicts that this alteration will weaken the native splice donor site; however, direct evidence is insufficient at this time (Ambry internal data). Variants that disrupt the canonical splice site are expected to cause aberrant splicing, resulting in an abnormal protein or a transcript that is subject to nonsense-mediated mRNA decay. As such, this variant is classified as likely pathogenic.

Genetics Laboratory, Great Ormond Street Hospital NHS Foundation Trust, North Thames Genomic Laboratory Hub
Classification: Likely pathogenic for Inherited MMR deficiency (Lynch syndrome). Last evaluated: 2026-03-06. Review status: criteria provided, single submitter. Criteria: CanVIG MMR Gene Specific V1.7. Collection method: clinical testing. Allele origin: germline. Affected: yes.
Comment: PM2_supporting, PVS1_strong, PP4_supporting

Labcorp Genetics (formerly Invitae), Labcorp
Classification: Likely pathogenic for Hereditary nonpolyposis colorectal neoplasms. Last evaluated: 2025-02-03. Review status: criteria provided, single submitter. Criteria: Invitae Variant Classification Sherloc (09022015). Collection method: clinical testing. Allele origin: germline.
Comment: This sequence change affects a donor splice site in intron 1 of the PMS2 gene. It is expected to disrupt RNA splicing. Variants that disrupt the donor or acceptor splice site typically lead to a loss of protein function (PMID: 16199547), and loss-of-function variants in PMS2 are known to be pathogenic (PMID: 21376568, 24362816). This variant is not present in population databases (gnomAD no frequency). Disruption of this splice site has been observed in individual(s) with clinical features of Lynch syndrome (PMID: 30306255). ClinVar contains an entry for this variant (Variation ID: 1517684). Algorithms developed to predict the effect of sequence changes on RNA splicing suggest that this variant may disrupt the consensus splice site. In summary, the currently available evidence indicates that the variant is pathogenic, but additional data are needed to prove that conclusively. Therefore, this variant has been classified as Likely Pathogenic.

Juno Genomics, Hangzhou Juno Genomics, Inc
Classification: Likely pathogenic for Lynch syndrome 4. Review status: criteria provided, single submitter. Criteria: ACMG Guidelines, 2015. Collection method: clinical testing. Allele origin: germline.
Comment: Absent from controls (or at extremely low frequency if recessive) in Genome Aggregation Database.;Null variant in a gene where loss of function (LOF) is a known mechanism of disease.

Literature cited by the submitters: PubMed 16199547 (cited by Labcorp Genetics (formerly Invitae), Labcorp); PubMed 21376568 (cited by Labcorp Genetics (formerly Invitae), Labcorp); PubMed 24362816 (cited by Labcorp Genetics (formerly Invitae), Labcorp); PubMed 30306255 (cited by Labcorp Genetics (formerly Invitae), Labcorp).

NM_000535.7(PMS2):c.23+2T>G

Gene: PMS2 (PMS1 homolog 2, mismatch repair system component; minus strand). Cytogenetic location: 7p22.1.
Variant type: single nucleotide variant.
Coding change: c.23+2T>G on transcript NM_000535.7 (MANE Select); the canonical splice donor site of the intron after coding-DNA position 23, T replaced by G.
Molecular consequence: splice donor variant. On other transcripts: 5 prime UTR variant (8).
Genome position (GRCh38, 1-based): chr7:6,008,995, A>C on the plus strand (T>G on the coding strand, the complement: PMS2 is on the minus strand). VCF-style: chr7-6008995-A-C. GRCh37 (hg19) VCF-style: chr7-6048626-A-C.
Other names: c.-571T>G (NM_001322005.2); c.-566T>G (NM_001322009.2, NM_001406897.1); c.-650T>G (NM_001406875.1, NM_001406882.1); c.-817T>G (NM_001406877.1); c.-518T>G (NM_001406894.1); c.-553T>G (NM_001406898.1); c.-53+2T>G (NM_001322008.2); c.-219+2T>G (NM_001406881.1); and 19 more.
Identifiers: ClinVar variation 1517684 (VCV001517684.12), dbSNP rs2128865814, ClinGen allele CA366745212.